The following is an entry in ClinVar:

ClinVar aggregate classification (germline): Likely benign (1 of 4 stars; one submission).

Submission:

CeGaT Center for Human Genetics Tuebingen
Classification: Likely benign. Last evaluated: 2026-01-01. Review status: criteria provided, single submitter. Criteria: CeGaT Center For Human Genetics Tuebingen Variant Classification Criteria Version 2. Collection method: clinical testing. Allele origin: germline. Affected: yes. Observed: 1 variant allele.
Comment: SPATA31H1: BP4, BP7

NM_032266.5(SPATA31H1):c.15402A>T (p.Ser5134=)

Gene: SPATA31H1 (SPATA31 subfamily H member 1; plus strand). Cytogenetic location: 2p23.3.
Variant type: single nucleotide variant.
Coding change: c.15402A>T on transcript NM_032266.5 (MANE Select); coding-DNA position 15402, A replaced by T.
Protein change: p.Ser5134=; no amino-acid change (serine 5134 retained).
Molecular consequence: synonymous variant.
Genome position (GRCh38, 1-based): chr2:27,581,762, A>T. VCF-style: chr2-27581762-A-T. GRCh37 (hg19) VCF-style: chr2-27804629-A-T.
Identifiers: ClinVar variation 4820688 (VCV004820688.4).
Genomic context (GRCh38, chr2:27,581,762, plus strand): 5'-TCACAGTCCCTCTAAGAGAAGCCATCGCAGTCCCGCTCGGAGGAGCCATCGCAGTCCCTC[A>T]GAGAGAAGCCATCACAGTCCCTCTGAGAGAAGCCATCACAGTCCCTCTGAGAGAAGACAT-3'
Protein context (NP_115642.4, residues 5124-5144): SPARRSHRSP[Ser5134=]ERSHHSPSER